The following is an entry in ClinVar:

ClinVar aggregate classification (germline): Uncertain significance (1 of 4 stars; one submission).

gnomAD v4.1: 3 of 1,613,966 alleles (0.00019%); highest among the groups gnomAD compares: African/African-American, 0.004%; no homozygotes.

Submission:

Labcorp Genetics (formerly Invitae), Labcorp
Classification: Uncertain significance. Last evaluated: 2025-03-17. Review status: criteria provided, single submitter. Criteria: Invitae Variant Classification Sherloc (09022015). Collection method: clinical testing. Allele origin: germline.
Comment: This sequence change replaces tryptophan, which is neutral and slightly polar, with glycine, which is neutral and non-polar, at codon 430 of the NLRP1 protein (p.Trp430Gly). This variant is not present in population databases (gnomAD no frequency). This variant has not been reported in the literature in individuals affected with NLRP1-related conditions. An algorithm developed to predict the effect of missense changes on protein structure and function (PolyPhen-2) suggests that this variant is likely to be disruptive. In summary, the available evidence is currently insufficient to determine the role of this variant in disease. Therefore, it has been classified as a Variant of Uncertain Significance.

NM_033004.4(NLRP1):c.1288T>G (p.Trp430Gly)

Gene: NLRP1 (NLR family pyrin domain containing 1; minus strand). Cytogenetic location: 17p13.2.
Variant type: single nucleotide variant.
Coding change: c.1288T>G on transcript NM_033004.4 (MANE Select); coding-DNA position 1288, T replaced by G.
Protein change: p.Trp430Gly; replaces tryptophan 430 with glycine.
Molecular consequence: missense variant.
Genome position (GRCh38, 1-based): chr17:5,559,408, A>C on the plus strand (T>G on the coding strand, the complement: NLRP1 is on the minus strand). VCF-style: chr17-5559408-A-C. GRCh37 (hg19) VCF-style: chr17-5462728-A-C.
Other names: c.1288T>G, p.Trp430Gly (NM_001033053.3, NM_014922.5, NM_033006.4 and 1 more transcripts); short protein forms W430G.
Identifiers: ClinVar variation 4776489 (VCV004776489.1).
Genomic context (GRCh38, chr17:5,559,408, plus strand): 5'-GAAGTATAGTTTTCCCCAGCAAACTGCCCAGCAGTGCATCCGCCGGCTGTGGCTGGCTCC[A>C]GTGCAGACAGAGCTCAGAACTCGGCTCCTGCAAGACCCATCCTGGCTCATCTACACCATC-3'
Protein context (NP_127497.1, residues 420-440): QEPSSELCLH[Trp430Gly]SQPQPADALL